The following is an entry in ClinVar:

ClinVar aggregate classification (germline): Likely benign (0 of 4 stars; one submission).

Conditions:
ZPBP-related disorder. Also called: ZPBP-related condition.

Submission:

PreventionGenetics, part of Exact Sciences
Classification: Likely benign for ZPBP-related condition. Last evaluated: 2020-01-03. Review status: no assertion criteria provided. Collection method: clinical testing. Allele origin: germline.
Comment: This variant is classified as likely benign based on ACMG/AMP sequence variant interpretation guidelines (Richards et al. 2015 PMID: 25741868, with internal and published modifications).

NM_007009.3(ZPBP):c.208+4T>G

Gene: ZPBP (zona pellucida binding protein; minus strand). Cytogenetic location: 7p12.2.
Variant type: single nucleotide variant.
Coding change: c.208+4T>G on transcript NM_007009.3 (MANE Select); 4 bases into the intron after coding-DNA position 208, T replaced by G.
Molecular consequence: intron variant.
Genome position (GRCh38, 1-based): chr7:50,089,625, A>C on the plus strand (T>G on the coding strand, the complement: ZPBP is on the minus strand). VCF-style: chr7-50089625-A-C. GRCh37 (hg19) VCF-style: chr7-50129221-A-C.
Other names: c.208+4T>G (NM_001159878.2).
Identifiers: ClinVar variation 3044614 (VCV003044614.2), dbSNP rs1168027289, ClinGen allele CA1101174031.